The following is an entry in ClinVar:

ClinVar aggregate classification (germline): Uncertain significance (1 of 4 stars; one submission).

Conditions:
Hereditary cancer-predisposing syndrome. Also called: Hereditary neoplastic syndrome; Tumor predisposition; Hereditary Cancer Syndrome; Neoplastic Syndromes, Hereditary. Identifiers: Orphanet 140162, MedGen C0027672, MeSH D009386, MONDO:0015356.

Submission:

Ambry Genetics
Classification: Uncertain significance for Hereditary cancer-predisposing syndrome. Last evaluated: 2023-08-31. Review status: criteria provided, single submitter. Criteria: Ambry Variant Classification Scheme 2023. Collection method: clinical testing. Allele origin: germline.
Comment: The p.Q375K variant (also known as c.1123C>A), located in coding exon 10 of the PMS2 gene, results from a C to A substitution at nucleotide position 1123. The glutamine at codon 375 is replaced by lysine, an amino acid with similar properties. This amino acid position is conserved. In addition, the in silico prediction for this alteration is inconclusive. Since supporting evidence is limited at this time, the clinical significance of this alteration remains unclear.

NM_000535.7(PMS2):c.1123C>A (p.Gln375Lys)

Gene: PMS2 (PMS1 homolog 2, mismatch repair system component; minus strand). Cytogenetic location: 7p22.1.
Variant type: single nucleotide variant.
Coding change: c.1123C>A on transcript NM_000535.7 (MANE Select); coding-DNA position 1123, C replaced by A.
Protein change: p.Gln375Lys; replaces glutamine 375 with lysine.
Molecular consequence: missense variant. On other transcripts: non-coding transcript variant (1), intron variant (10).
Genome position (GRCh38, 1-based): chr7:5,989,821, G>T on the plus strand (C>A on the coding strand, the complement: PMS2 is on the minus strand). VCF-style: chr7-5989821-G-T. GRCh37 (hg19) VCF-style: chr7-6029452-G-T.
Other names: c.718C>A, p.Gln240Lys (NM_001018040.1, NM_001322003.2, NM_001322004.2 and 17 more transcripts); c.805C>A, p.Gln269Lys (NM_001322007.2, NM_001322008.2, NM_001406876.1 and 2 more transcripts); c.190C>A, p.Gln64Lys (NM_001322011.2, NM_001322012.2); c.550C>A, p.Gln184Lys (NM_001322013.2, NM_001406909.1); c.1123C>A, p.Gln375Lys (NM_001322014.2, NM_001406871.1, NM_001406872.1); c.814C>A, p.Gln272Lys (NM_001322015.2, NM_001406875.1, NM_001406877.1 and 5 more transcripts); c.1309C>A, p.Gln437Lys (NM_001406866.1); c.1147C>A, p.Gln383Lys (NM_001406868.1); and 13 more; short protein forms Q184K, Q269K, Q64K, Q204K, Q263K, Q309K, Q319K, Q437K.
Identifiers: ClinVar variation 2586346 (VCV002586346.2), dbSNP rs956005905, ClinGen allele CA366742760.